The following is an entry in ClinVar:

NM_000088.4(COL1A1):c.3268C>T (p.Gln1090Ter)

Gene: COL1A1 (collagen type I alpha 1 chain; minus strand). Cytogenetic location: 17q21.33.
Variant type: single nucleotide variant.
Coding change: c.3268C>T on transcript NM_000088.4 (MANE Select); coding-DNA position 3268, C replaced by T.
Protein change: p.Gln1090Ter; replaces glutamine 1090 with a stop codon.
Molecular consequence: nonsense.
Genome position (GRCh38, 1-based): chr17:50,187,977, G>A on the plus strand (C>T on the coding strand, the complement: COL1A1 is on the minus strand). VCF-style: chr17-50187977-G-A. GRCh37 (hg19) VCF-style: chr17-48265338-G-A.
Other names: short protein forms Q1090*.
Identifiers: ClinVar variation 1686705 (VCV001686705.4), dbSNP rs2144542850, ClinGen allele CA400199946.

ClinVar aggregate classification (germline): Pathogenic. Review status: criteria provided, single submitter (1 of 4 stars). 2 submissions from 2 submitters: Pathogenic (1). 1 of the submissions does not count toward it. Last evaluated 2021-11-24.

Conditions:
Osteogenesis imperfecta type I (OI1). Also called: Lobstein's Disease; Osteogenesis imperfecta type 1; Classic Non-deforming Osteogenesis Imperfecta with Blue Sclerae; OI, TYPE I; OSTEOGENESIS IMPERFECTA TARDA; OSTEOGENESIS IMPERFECTA WITH BLUE SCLERAE. Identifiers: Orphanet 216796, Orphanet 666, MedGen C0023931, MONDO:0008146, OMIM 166200. Disease mechanism: loss of function.

Submissions (2):

GeneDx
Classification: Pathogenic. Last evaluated: 2021-11-24. Review status: criteria provided, single submitter. Criteria: GeneDx Variant Classification Process June 2021. Collection method: clinical testing. Allele origin: germline. Affected: yes.
Comment: Nonsense variant predicted to result in protein truncation or nonsense mediated decay in a gene for which loss-of-function is a known mechanism of disease; Not observed at significant frequency in large population cohorts (gnomAD); Has not been previously published as pathogenic or benign to our knowledge

Molecular Genetics laboratory, Necker Hospital
Classification: Likely pathogenic for Osteogenesis imperfecta type I. Review status: no assertion criteria provided. Collection method: clinical testing. Allele origin: unknown. Inheritance: Autosomal dominant inheritance. Affected: yes. Observed: 1 heterozygote. Not counted in ClinVar's aggregate classification.